The following is an entry in ClinVar:

ClinVar aggregate classification (germline): Likely benign (1 of 4 stars; one submission).

Conditions:
Colorectal cancer, susceptibility to, 1. Also called: COLORECTAL ADENOMA AND CANCER, SUSCEPTIBILITY TO; COLORECTAL CANCER, SUSCEPTIBILITY TO, ON CHROMOSOME 9. Identifiers: MedGen C1837315, MONDO:0012132, OMIM 608812.

gnomAD v4.1: 3 of 1,570,670 alleles (0.00019%); highest among the groups gnomAD compares: Non-Finnish European, 0.00018%; no homozygotes.

Submission:

Myriad Genetics, Inc.
Classification: Likely benign for Colorectal cancer, susceptibility to, 1. Last evaluated: 2026-04-21. Review status: criteria provided, single submitter. Criteria: Myriad Autosomal Dominant, Autosomal Recessive and X-Linked Classification Criteria (2023). Collection method: clinical testing. Allele origin: unknown.
Comment: This variant is considered likely benign. This variant is intronic and is not expected to impact mRNA splicing.

NM_024642.5(GALNT12):c.918-12A>G

Gene: GALNT12 (polypeptide N-acetylgalactosaminyltransferase 12; plus strand). Cytogenetic location: 9q22.33.
Variant type: single nucleotide variant.
Coding change: c.918-12A>G on transcript NM_024642.5 (MANE Select); 12 bases into the intron before coding-DNA position 918, A replaced by G.
Molecular consequence: intron variant.
Genome position (GRCh38, 1-based): chr9:98,835,237, A>G. VCF-style: chr9-98835237-A-G. GRCh37 (hg19) VCF-style: chr9-101597519-A-G.
Identifiers: ClinVar variation 4876197 (VCV004876197.1).